The following is an entry in ClinVar:

NM_000283.4(PDE6B):c.2038C>T (p.Gln680Ter)

Gene: PDE6B (phosphodiesterase 6B; plus strand). Cytogenetic location: 4p16.3.
Variant type: single nucleotide variant.
Coding change: c.2038C>T on transcript NM_000283.4 (MANE Select); coding-DNA position 2038, C replaced by T.
Protein change: p.Gln680Ter; replaces glutamine 680 with a stop codon.
Molecular consequence: nonsense.
Genome position (GRCh38, 1-based): chr4:664,130, C>T. VCF-style: chr4-664130-C-T. GRCh37 (hg19) VCF-style: chr4-657919-C-T.
Other names: c.2038C>T, p.Gln680Ter (NM_001145291.2); c.1201C>T, p.Gln401Ter (NM_001145292.2, NM_001350154.3, NM_001379246.1 and 1 more transcripts); c.883C>T, p.Gln295Ter (NM_001350155.3); c.2038C>T (NM_000283.3); short protein forms Q295*, Q401*, Q680*.
Identifiers: ClinVar variation 1068923 (VCV001068923.9), dbSNP rs146171339, ClinGen allele CA2794830.
Genomic context (GRCh38, chr4:664,130, plus strand): 5'-CCACACTTGCTCCCACCTGCACCTCCCTTGTTCCCTGGGTTCAGGAAGAGAGCGATGTTT[C>T]AGAAGATCGTGGATGAGTCCAAGAACTACCAGGACAAGAAGAGCTGGGTGGAGTACCTGT-3'

ClinVar aggregate classification (germline): Pathogenic/Likely pathogenic. Review status: criteria provided, multiple submitters, no conflicts (2 of 4 stars). 3 submissions from 3 submitters: Pathogenic (2); Likely pathogenic (1). Last evaluated 2025-12-08.

Conditions:
PDE6B-related disorder. Also called: PDE6B-related disease; PDE6B-related condition; PDE6B-related disorders.

Allele frequency attached by ClinVar (database versions not stated): gnomAD exomes below 0.00001 and 0.00001; ExAC 0.00002; gnomAD 0.00003 and 0.00004; TOPMed 0.00003; ESP Exome Variant Server 0.00008.
gnomAD v4.1: 7 of 1,609,190 alleles (0.00044%); highest among the groups gnomAD compares: African/African-American, 0.0067%; no homozygotes.

Submissions (3):

Labcorp Genetics (formerly Invitae), Labcorp
Classification: Pathogenic. Last evaluated: 2025-12-08. Review status: criteria provided, single submitter. Criteria: Invitae Variant Classification Sherloc (09022015). Collection method: clinical testing. Allele origin: germline.
Comment: This sequence change creates a premature translational stop signal (p.Gln680*) in the PDE6B gene. It is expected to result in an absent or disrupted protein product. Loss-of-function variants in PDE6B are known to be pathogenic (PMID: 8394174, 8595886, 22334370). This variant is present in population databases (rs146171339, gnomAD 0.008%). This variant has not been reported in the literature in individuals affected with PDE6B-related conditions. ClinVar contains an entry for this variant (Variation ID: 1068923). For these reasons, this variant has been classified as Pathogenic.

PreventionGenetics, part of Exact Sciences
Classification: Pathogenic for PDE6B-related condition. Last evaluated: 2024-11-15. Review status: criteria provided, single submitter. Criteria: ACMG Guidelines, 2015. Collection method: clinical testing. Allele origin: germline.
Comment: The PDE6B c.2038C>T variant is predicted to result in premature protein termination (p.Gln680*). To our knowledge, this variant has not been reported in the literature in an individual with disease. This variant is reported in 0.012% of alleles in individuals of African descent in gnomAD. Nonsense variants in PDE6B are an established mechanism of disease. This variant is interpreted as pathogenic.

Blueprint Genetics
Classification: Likely pathogenic for PDE6B-related disorders. Last evaluated: 2021-08-27. Review status: criteria provided, single submitter. Criteria: ACMG Guidelines, 2015. Collection method: clinical testing. Allele origin: germline. Affected: yes. Observed: 1 variant allele.

Literature cited by the submitters: PubMed 8394174 (cited by Labcorp Genetics (formerly Invitae), Labcorp); PubMed 8595886 (cited by Labcorp Genetics (formerly Invitae), Labcorp); PubMed 22334370 (cited by Labcorp Genetics (formerly Invitae), Labcorp).